The following is an entry in ClinVar:

ClinVar aggregate classification (germline): Uncertain significance. Review status: criteria provided, multiple submitters, no conflicts (2 of 4 stars). 2 submissions from 2 submitters: Uncertain significance (2). Last evaluated 2026-06-01.

Conditions:
SH2B1-related disorder. Also called: SH2B1-related condition.

Allele frequency attached by ClinVar (database versions not stated): gnomAD 0.00001; TOPMed 0.00001.

Submissions (2):

PreventionGenetics, part of Exact Sciences
Classification: Uncertain significance for SH2B1-related condition. Last evaluated: 2026-06-01. Review status: criteria provided, single submitter. Criteria: ACMG Guidelines, 2015. Collection method: clinical testing. Allele origin: germline.
Comment: The SH2B1 c.2245A>G variant is predicted to result in the amino acid substitution p.Ile749Val. To our knowledge, this variant has not been reported in the literature or in a large population database (gnomAD), indicating this variant is rare. At this time, the clinical significance of this variant is uncertain due to the absence of conclusive functional and genetic evidence.

Ambry Genetics
Classification: Uncertain significance. Last evaluated: 2024-10-22. Review status: criteria provided, single submitter. Criteria: Ambry Variant Classification Scheme 2023. Collection method: clinical testing. Allele origin: germline.

NM_001387430.1(SH2B1):c.2245A>G (p.Ile749Val)

Gene: SH2B1 (SH2B adaptor protein 1; plus strand). Cytogenetic location: 16p11.2.
Variant type: single nucleotide variant.
Coding change: c.2245A>G on transcript NM_001387430.1 (MANE Select); coding-DNA position 2245, A replaced by G.
Protein change: p.Ile749Val; replaces isoleucine 749 with valine.
Molecular consequence: missense variant. On other transcripts: 3 prime UTR variant (5).
Genome position (GRCh38, 1-based): chr16:28,873,794, A>G. VCF-style: chr16-28873794-A-G. GRCh37 (hg19) VCF-style: chr16-28885115-A-G.
Other names: c.2245A>G, p.Ile749Val (NM_001145795.2, NM_001308293.2, NM_001387404.1); c.*329A>G (NM_001145796.2, NM_001145812.2, NM_001308294.2 and 1 more transcripts); c.*346A>G (NM_001145797.2); short protein forms I749V.
Identifiers: ClinVar variation 2629341 (VCV002629341.3), dbSNP rs1164036823, ClinGen allele CA395398670.
Genomic context (GRCh38, chr16:28,873,794, plus strand): 5'-GTGCAGCTGCAGCAGTCACCACTAGGGGGTGATGGAGAGGAAGGGGGCCACCCCAGGGCC[A>G]TTAACAACCAGTACTCCTTCGTGTGAGCCAACCCCACCCGCTCCACCCTTTTTAAACCCC-3'
Protein context (NP_001374359.1, residues 739-756): DGEEGGHPRA[Ile749Val]NNQYSFV